The following is an entry in ClinVar:

NM_001166108.2(PALLD):c.1965-12835G>C

Gene: PALLD (palladin, cytoskeletal associated protein; plus strand). Cytogenetic location: 4q32.3.
Variant type: single nucleotide variant.
Coding change: c.1965-12835G>C on transcript NM_001166108.2 (MANE Select); 12835 bases into the intron before coding-DNA position 1965, G replaced by C.
Molecular consequence: intron variant. On other transcripts: missense variant (1).
Genome position (GRCh38, 1-based): chr4:168,878,087, G>C. VCF-style: chr4-168878087-G-C. GRCh37 (hg19) VCF-style: chr4-169799238-G-C.
Other names: c.196G>C, p.Val66Leu (NM_001166110.2); c.1965-12835G>C (NM_016081.4); c.819-12835G>C (NM_001166109.2); c.-157-12835G>C (NM_001367570.1, NM_001367568.1, NM_001367567.1 and 1 more transcripts); short protein forms V66L.
Identifiers: ClinVar variation 1783590 (VCV001783590.3), dbSNP rs1272490169, ClinGen allele CA358795486.

ClinVar aggregate classification (germline): Uncertain significance (1 of 4 stars; one submission).

Allele frequency attached by ClinVar (database versions not stated): gnomAD 0.00001.
gnomAD v4.1: 3 of 1,444,832 alleles (0.00021%); highest among the groups gnomAD compares: African/African-American, 0.003%; no homozygotes.

Submission:

Ambry Genetics
Classification: Uncertain significance. Last evaluated: 2025-09-26. Review status: criteria provided, single submitter. Criteria: Ambry Variant Classification Scheme 2023. Collection method: clinical testing. Allele origin: germline.
Comment: The p.V66L variant (also known as c.196G>C), located in coding exon 1 of the PALLD gene, results from a G to C substitution at nucleotide position 196. The valine at codon 66 is replaced by leucine, an amino acid with highly similar properties. This amino acid position is conserved. In addition, this alteration is predicted to be tolerated by in silico analysis. Since supporting evidence is limited at this time, the clinical significance of this alteration remains unclear.